The following is an entry in ClinVar:

ClinVar aggregate classification (germline): Uncertain significance (1 of 4 stars; one submission).

Conditions:
Microcephaly, normal intelligence and immunodeficiency (NBS). Also called: IMMUNODEFICIENCY, MICROCEPHALY, AND CHROMOSOMAL INSTABILITY; SEEMANOVA SYNDROME II; Nijmegen breakage syndrome; Microcephaly with normal intelligence immunodeficiency and lymphoreticular malignancies; Nonsyndromal microcephaly autosomal recessive with normal intelligence; Seemanova syndrome 2. Identifiers: Orphanet 647, MedGen C0398791, MONDO:0009623, OMIM 251260.

Submission:

Labcorp Genetics (formerly Invitae), Labcorp
Classification: Uncertain significance for Microcephaly, normal intelligence and immunodeficiency. Last evaluated: 2017-06-28. Review status: criteria provided, single submitter. Criteria: Invitae Variant Classification Sherloc (09022015). Collection method: clinical testing. Allele origin: germline.
Comment: In summary, the available evidence is currently insufficient to determine the role of this variant in disease. Therefore, it has been classified as a Variant of Uncertain Significance. Algorithms developed to predict the effect of missense changes on protein structure and function output the following: SIFT: "Deleterious"; PolyPhen-2: "Benign"; Align-GVGD: "Class C0". The glycine amino acid residue is found in multiple mammalian species, suggesting that this missense change does not adversely affect protein function. These predictions have not been confirmed by published functional studies and their clinical significance is uncertain. This variant has not been reported in the literature in individuals with NBN-related disease. This variant is not present in population databases (ExAC no frequency). This sequence change replaces valine with glycine at codon 417 of the NBN protein (p.Val417Gly). The valine residue is weakly conserved and there is a moderate physicochemical difference between valine and glycine.

NM_002485.5(NBN):c.1250T>G (p.Val417Gly)

Gene: NBN (nibrin; minus strand). Cytogenetic location: 8q21.3.
Variant type: single nucleotide variant.
Coding change: c.1250T>G on transcript NM_002485.5 (MANE Select); coding-DNA position 1250, T replaced by G.
Protein change: p.Val417Gly; replaces valine 417 with glycine.
Molecular consequence: missense variant.
Genome position (GRCh38, 1-based): chr8:89,955,430, A>C on the plus strand (T>G on the coding strand, the complement: NBN is on the minus strand). VCF-style: chr8-89955430-A-C. GRCh37 (hg19) VCF-style: chr8-90967658-A-C.
Other names: c.1004T>G, p.Val335Gly (NM_001024688.3); short protein forms V417G, V335G.
Identifiers: ClinVar variation 461496 (VCV000461496.8), dbSNP rs1554559216, ClinGen allele CA371656266.
Genomic context (GRCh38, chr8:89,955,430, plus strand): 5'-GGCAATTTAGTTGGTGAAAGCTGATAGTTTGGGATTCTCATCTTAGCCAAAGTATTTGAT[A>C]CCATACTATTATTATTAGAGCTTGTTTTGCAGGACTCCTTTACAGTGGGTGCATCTTGTG-3'
Protein context (NP_002476.2, residues 407-427): CKTSSNNNSM[Val417Gly]SNTLAKMRIP